The following is an entry in ClinVar:

NC_000003.11:g.(?_132379172)_(132398639_?)del

Gene: UBA5 (ubiquitin like modifier activating enzyme 5; plus strand). Cytogenetic location: 3q22.1.
Variant type: Deletion.
Identifiers: ClinVar variation 4526087 (VCV004526087.1).

ClinVar aggregate classification (germline): Pathogenic (1 of 4 stars; one submission).

Conditions:
UBA5-related disorder. Also called: UBA5-related condition; UBA5-related disorders.

Submission:

Women's Health and Genetics/Laboratory Corporation of America, LabCorp
Classification: Pathogenic for UBA5-Related Disorders. Last evaluated: 2025-07-08. Review status: criteria provided, single submitter. Criteria: LabCorp Variant Classification Summary - May 2015. Collection method: clinical testing. Allele origin: germline.
Comment: Variant summary: The variant involves the deletion of exons 1-12 in the UBA5 gene. A presumed nomenclature of c.(?_-210)_(*3269_?)del has been designated for the purposes of this classification. This deletion includes the entire coding sequence of the gene. As the exact proximal and distal breakpoints are unknown, it may extend beyond the annotated region of the gene to include other flanking genes. The variant was absent in 21694 control chromosomes. To our knowledge, no occurrence of c.(?_-210)_(*3269_?)del in individuals affected with UBA5-Related Disorders and no experimental evidence demonstrating its impact on protein function have been reported. No submitters have cited clinical-significance assessments for this variant to ClinVar. Based on the evidence outlined above, the variant was classified as pathogenic.